The following is an entry in ClinVar:

NM_014324.6(AMACR):c.544G>A (p.Ala182Thr)

Genes: AMACR (alpha-methylacyl-CoA racemase; minus strand), C1QTNF3-AMACR (C1QTNF3-AMACR readthrough (NMD candidate); minus strand). Cytogenetic location: 5p13.2.
Variant type: single nucleotide variant.
Coding change: c.544G>A on transcript NM_014324.6 (MANE Select); coding-DNA position 544, G replaced by A.
Protein change: p.Ala182Thr; replaces alanine 182 with threonine.
Molecular consequence: missense variant. On other transcripts: intron variant (1).
Genome position (GRCh38, 1-based): chr5:34,004,582, C>T on the plus strand (G>A on the coding strand, the complement: AMACR is on the minus strand). VCF-style: chr5-34004582-C-T. GRCh37 (hg19) VCF-style: chr5-34004687-C-T.
Other names: c.544G>A, p.Ala182Thr (NM_001167595.2); c.391+1174G>A (NM_203382.3); short protein forms A182T.
Identifiers: ClinVar variation 1510456 (VCV001510456.6), dbSNP rs2112069628, ClinGen allele CA359382917.

ClinVar aggregate classification (germline): Uncertain significance (1 of 4 stars; one submission).

Conditions:
Alpha-methylacyl-CoA racemase deficiency (AMACRD). Also called: AMACR deficiency. Identifiers: Orphanet 79095, MedGen C3280428, MONDO:0013681, OMIM 614307. Disease mechanism: loss of function.

Allele frequency attached by ClinVar (database versions not stated): gnomAD exomes below 0.00001.
gnomAD v4.1: 1 of 1,614,106 alleles (0.000062%); highest among the groups gnomAD compares: Non-Finnish European, 0.000085%; no homozygotes.

Submission:

Labcorp Genetics (formerly Invitae), Labcorp
Classification: Uncertain significance for Alpha-methylacyl-CoA racemase deficiency. Last evaluated: 2022-07-12. Review status: criteria provided, single submitter. Criteria: Invitae Variant Classification Sherloc (09022015). Collection method: clinical testing. Allele origin: germline.
Comment: This variant is not present in population databases (gnomAD no frequency). In summary, the available evidence is currently insufficient to determine the role of this variant in disease. Therefore, it has been classified as a Variant of Uncertain Significance. Algorithms developed to predict the effect of missense changes on protein structure and function (SIFT, PolyPhen-2, Align-GVGD) all suggest that this variant is likely to be tolerated. ClinVar contains an entry for this variant (Variation ID: 1510456). This variant has not been reported in the literature in individuals affected with AMACR-related conditions. This sequence change replaces alanine, which is neutral and non-polar, with threonine, which is neutral and polar, at codon 182 of the AMACR protein (p.Ala182Thr).